The following is an entry in ClinVar:

NM_000551.4(VHL):c.142C>A (p.Leu48Met)

Gene: VHL (von Hippel-Lindau tumor suppressor; plus strand). Cytogenetic location: 3p25.3.
Variant type: single nucleotide variant.
Coding change: c.142C>A on transcript NM_000551.4 (MANE Select); coding-DNA position 142, C replaced by A.
Protein change: p.Leu48Met; replaces leucine 48 with methionine.
Molecular consequence: missense variant.
Genome position (GRCh38, 1-based): chr3:10,141,989, C>A. VCF-style: chr3-10141989-C-A. GRCh37 (hg19) VCF-style: chr3-10183673-C-A.
Other names: c.142C>A, p.Leu48Met (NM_001354723.2, NM_198156.3); short protein forms L48M.
Identifiers: ClinVar variation 1957835 (VCV001957835.5), dbSNP rs2125124810, ClinGen allele CA351748190.

ClinVar aggregate classification (germline): Uncertain significance (1 of 4 stars; one submission).

Conditions:
Chuvash polycythemia. Also called: POLYCYTHEMIA, VHL-DEPENDENT. Identifiers: Orphanet 238557, MedGen C1837915, MONDO:0009892, OMIM 263400.
Von Hippel-Lindau syndrome (VHLS). Also called: Von Hippel-Lindau; von Hippel–Lindau syndrome; VHL syndrome. Identifiers: Orphanet 892, MedGen C0019562, MONDO:0008667, OMIM 193300. Disease mechanism: loss of function.

Submission:

Labcorp Genetics (formerly Invitae), Labcorp
Classification: Uncertain significance for Von Hippel-Lindau syndrome; Chuvash polycythemia. Last evaluated: 2023-02-10. Review status: criteria provided, single submitter. Criteria: Invitae Variant Classification Sherloc (09022015). Collection method: clinical testing. Allele origin: germline.
Comment: This sequence change replaces leucine, which is neutral and non-polar, with methionine, which is neutral and non-polar, at codon 48 of the VHL protein (p.Leu48Met). This variant is not present in population databases (gnomAD no frequency). This variant has not been reported in the literature in individuals affected with VHL-related conditions. Advanced modeling of protein sequence and biophysical properties (such as structural, functional, and spatial information, amino acid conservation, physicochemical variation, residue mobility, and thermodynamic stability) performed at Invitae indicates that this missense variant is not expected to disrupt VHL protein function. In summary, the available evidence is currently insufficient to determine the role of this variant in disease. Therefore, it has been classified as a Variant of Uncertain Significance.